The following is an entry in ClinVar:

ClinVar aggregate classification (germline): Uncertain significance (1 of 4 stars; one submission).

Submission:

Labcorp Genetics (formerly Invitae), Labcorp
Classification: Uncertain significance. Last evaluated: 2019-10-07. Review status: criteria provided, single submitter. Criteria: Invitae Variant Classification Sherloc (09022015). Collection method: clinical testing. Allele origin: germline.
Comment: This sequence change replaces serine with asparagine at codon 238 of the BRPF1 protein (p.Ser238Asn). The serine residue is moderately conserved and there is a small physicochemical difference between serine and asparagine. This variant is not present in population databases (ExAC no frequency). This variant has not been reported in the literature in individuals with BRPF1-related conditions. Algorithms developed to predict the effect of missense changes on protein structure and function (SIFT, PolyPhen-2, Align-GVGD) all suggest that this variant is likely to be tolerated, but these predictions have not been confirmed by published functional studies and their clinical significance is uncertain. In summary, the available evidence is currently insufficient to determine the role of this variant in disease. Therefore, it has been classified as a Variant of Uncertain Significance.

NM_001003694.2(BRPF1):c.713G>A (p.Ser238Asn)

Gene: BRPF1 (bromodomain and PHD finger containing 1; plus strand). Cytogenetic location: 3p25.3.
Variant type: single nucleotide variant.
Coding change: c.713G>A on transcript NM_001003694.2 (MANE Select); coding-DNA position 713, G replaced by A.
Protein change: p.Ser238Asn; replaces serine 238 with asparagine.
Molecular consequence: missense variant. On other transcripts: non-coding transcript variant (1).
Genome position (GRCh38, 1-based): chr3:9,739,112, G>A. VCF-style: chr3-9739112-G-A. GRCh37 (hg19) VCF-style: chr3-9780796-G-A.
Other names: c.713G>A, p.Ser238Asn (NM_001319049.2, NM_001319050.2, NM_004634.3); short protein forms S238N.
Identifiers: ClinVar variation 957300 (VCV000957300.1), dbSNP rs2076988306, ClinGen allele CA351684360.